The following is an entry in ClinVar:

ClinVar aggregate classification (germline): Likely benign (0 of 4 stars; one submission).

Conditions:
HELQ-related disorder. Also called: HELQ-related condition.

Allele frequency attached by ClinVar (database versions not stated): ExAC 0.00001; gnomAD exomes 0.00001.
gnomAD v4.1: 8 of 1,531,870 alleles (0.00052%); highest among the groups gnomAD compares: Admixed American, 0.0053%; no homozygotes.

Submission:

PreventionGenetics, part of Exact Sciences
Classification: Likely benign for HELQ-related condition. Last evaluated: 2019-03-07. Review status: no assertion criteria provided. Collection method: clinical testing. Allele origin: germline.
Comment: This variant is classified as likely benign based on ACMG/AMP sequence variant interpretation guidelines (Richards et al. 2015 PMID: 25741868, with internal and published modifications).

NM_133636.5(HELQ):c.1808+10T>C

Gene: HELQ (helicase, POLQ like; minus strand). Cytogenetic location: 4q21.23.
Variant type: single nucleotide variant.
Coding change: c.1808+10T>C on transcript NM_133636.5 (MANE Select); 10 bases into the intron after coding-DNA position 1808, T replaced by C.
Molecular consequence: intron variant.
Genome position (GRCh38, 1-based): chr4:83,439,853, A>G on the plus strand (T>C on the coding strand, the complement: HELQ is on the minus strand). VCF-style: chr4-83439853-A-G. GRCh37 (hg19) VCF-style: chr4-84361006-A-G.
Other names: c.1607+10T>C (NM_001297755.2); c.176+10T>C (NM_001297757.2); c.317+10T>C (NM_001297756.2).
Identifiers: ClinVar variation 3057759 (VCV003057759.2), dbSNP rs767278047, ClinGen allele CA2989656.